The following is an entry in ClinVar:

ClinVar aggregate classification (germline): Uncertain significance. Review status: criteria provided, multiple submitters, no conflicts (2 of 4 stars). 2 submissions from 2 submitters: Uncertain significance (2). Last evaluated 2024-09-10.

Conditions:
Familial thoracic aortic aneurysm and aortic dissection (TAAD). Also called: Thoracic aortic aneurysms and dissections. Identifiers: Orphanet 91387, MedGen C4707243, MONDO:0019625.
Aortic aneurysm, familial thoracic 7 (AAT7). Also called: AORTIC DISSECTION, FAMILIAL, WITH OR WITHOUT AORTIC ANEURYSM. Identifiers: MedGen C3151077, MONDO:0013418, OMIM 613780.

gnomAD v4.1: 2 of 1,614,162 alleles (0.00012%); highest among the groups gnomAD compares: Admixed American, 0.0017%; no homozygotes.

Submissions (2):

Ambry Genetics
Classification: Uncertain significance for Familial thoracic aortic aneurysm and aortic dissection. Last evaluated: 2024-09-10. Review status: criteria provided, single submitter. Criteria: Ambry Variant Classification Scheme 2023. Collection method: clinical testing. Allele origin: germline.

Labcorp Genetics (formerly Invitae), Labcorp
Classification: Uncertain significance for Aortic aneurysm, familial thoracic 7. Last evaluated: 2024-03-16. Review status: criteria provided, single submitter. Criteria: Invitae Variant Classification Sherloc (09022015). Collection method: clinical testing. Allele origin: germline.
Comment: This sequence change replaces arginine, which is basic and polar, with glycine, which is neutral and non-polar, at codon 1405 of the MYLK protein (p.Arg1405Gly). This variant is not present in population databases (gnomAD no frequency). This variant has not been reported in the literature in individuals affected with MYLK-related conditions. Advanced modeling of protein sequence and biophysical properties (such as structural, functional, and spatial information, amino acid conservation, physicochemical variation, residue mobility, and thermodynamic stability) performed at Invitae indicates that this missense variant is not expected to disrupt MYLK protein function with a negative predictive value of 80%. In summary, the available evidence is currently insufficient to determine the role of this variant in disease. Therefore, it has been classified as a Variant of Uncertain Significance.

NM_053025.4(MYLK):c.4213C>G (p.Arg1405Gly)

Gene: MYLK (myosin light chain kinase; minus strand). Cytogenetic location: 3q21.1.
Variant type: single nucleotide variant.
Coding change: c.4213C>G on transcript NM_053025.4 (MANE Select); coding-DNA position 4213, C replaced by G.
Protein change: p.Arg1405Gly; replaces arginine 1405 with glycine.
Molecular consequence: missense variant.
Genome position (GRCh38, 1-based): chr3:123,657,201, G>C on the plus strand (C>G on the coding strand, the complement: MYLK is on the minus strand). VCF-style: chr3-123657201-G-C. GRCh37 (hg19) VCF-style: chr3-123376048-G-C.
Other names: c.3685C>G, p.Arg1229Gly (NM_001321309.2); c.4006C>G, p.Arg1336Gly (NM_053026.4, NM_053028.4); c.4213C>G, p.Arg1405Gly (NM_053027.4); c.4213C>G (NM_053025.3); short protein forms R1336G, R1229G, R1405G.
Identifiers: ClinVar variation 2914405 (VCV002914405.4), dbSNP rs755248772, ClinGen allele CA354227886.
Genomic context (GRCh38, chr3:123,657,201, plus strand): 5'-CTACCGTTGTGAGTTCAGACTCCTGGCTTGGCTCACTGGTTCCATACACGTTGATTGCAC[G>C]TACACGGAACTTATATTCGTGGTCAGGCAGCAGGTCCTGGACGTTGAAAGAGGTGCTGCG-3'
Protein context (NP_444253.3, residues 1395-1415): LPDHEYKFRV[Arg1405Gly]AINVYGTSEP